The following is an entry in ClinVar:

NM_001039.4(SCNN1G):c.1469G>A (p.Arg490Gln)

Gene: SCNN1G (sodium channel epithelial 1 subunit gamma; plus strand). Cytogenetic location: 16p12.2.
Variant type: single nucleotide variant.
Coding change: c.1469G>A on transcript NM_001039.4 (MANE Select); coding-DNA position 1469, G replaced by A.
Protein change: p.Arg490Gln; replaces arginine 490 with glutamine.
Molecular consequence: missense variant.
Genome position (GRCh38, 1-based): chr16:23,213,139, G>A. VCF-style: chr16-23213139-G-A. GRCh37 (hg19) VCF-style: chr16-23224460-G-A.
Other names: short protein forms R490Q.
Identifiers: ClinVar variation 3628739 (VCV003628739.2).

ClinVar aggregate classification (germline): Uncertain significance (1 of 4 stars; one submission).

gnomAD v4.1: 22 of 1,613,296 alleles (0.0014%); highest among the groups gnomAD compares: East Asian, 0.011%; no homozygotes.

Submission:

Labcorp Genetics (formerly Invitae), Labcorp
Classification: Uncertain significance. Last evaluated: 2024-02-14. Review status: criteria provided, single submitter. Criteria: Invitae Variant Classification Sherloc (09022015). Collection method: clinical testing. Allele origin: germline.
Comment: This sequence change replaces arginine, which is basic and polar, with glutamine, which is neutral and polar, at codon 490 of the SCNN1G protein (p.Arg490Gln). This variant is present in population databases (rs202245467, gnomAD 0.01%). This variant has not been reported in the literature in individuals affected with SCNN1G-related conditions. Algorithms developed to predict the effect of missense changes on protein structure and function output the following: SIFT: "Not Available"; PolyPhen-2: "Benign"; Align-GVGD: "Not Available". The glutamine amino acid residue is found in multiple mammalian species, which suggests that this missense change does not adversely affect protein function. In summary, the available evidence is currently insufficient to determine the role of this variant in disease. Therefore, it has been classified as a Variant of Uncertain Significance.